The following is an entry in ClinVar:

ClinVar aggregate classification (germline): Uncertain significance. Review status: criteria provided, multiple submitters, no conflicts (2 of 4 stars). 2 submissions from 2 submitters: Uncertain significance (2). Last evaluated 2024-05-12.

Conditions:
Cardiovascular phenotype. Identifiers: MedGen CN230736.
Distal myopathy with posterior leg and anterior hand involvement. Also called: WILLIAMS DISTAL MYOPATHY. Identifiers: Orphanet 63273, MedGen C3279722, MONDO:0013550, OMIM 614065.
Myofibrillar myopathy 5. Also called: Filaminopathy (type); FILAMINOPATHY, AUTOSOMAL DOMINANT. Identifiers: Orphanet 171445, MedGen C1836050, MONDO:0012289, OMIM 609524.
Hypertrophic cardiomyopathy 26. Also called: Cardiomyopathy, familial hypertrophic, 26. Identifiers: Orphanet 75249, MedGen C4310749, MONDO:0014883, OMIM 617047.

gnomAD v4.1: 3 of 1,613,656 alleles (0.00019%); highest among the groups gnomAD compares: Non-Finnish European, 0.00025%; no homozygotes.

Submissions (2):

Labcorp Genetics (formerly Invitae), Labcorp
Classification: Uncertain significance for Distal myopathy with posterior leg and anterior hand involvement; Myofibrillar myopathy 5; Hypertrophic cardiomyopathy 26. Last evaluated: 2024-05-12. Review status: criteria provided, single submitter. Criteria: Invitae Variant Classification Sherloc (09022015). Collection method: clinical testing. Allele origin: germline.
Comment: This sequence change replaces aspartic acid, which is acidic and polar, with valine, which is neutral and non-polar, at codon 1086 of the FLNC protein (p.Asp1086Val). This variant is present in population databases (no rsID available, gnomAD 0.0009%). This variant has not been reported in the literature in individuals affected with FLNC-related conditions. Advanced modeling of protein sequence and biophysical properties (such as structural, functional, and spatial information, amino acid conservation, physicochemical variation, residue mobility, and thermodynamic stability) has been performed at Invitae for this missense variant, however the output from this modeling did not meet the statistical confidence thresholds required to predict the impact of this variant on FLNC protein function. In summary, the available evidence is currently insufficient to determine the role of this variant in disease. Therefore, it has been classified as a Variant of Uncertain Significance.

Ambry Genetics
Classification: Uncertain significance for Cardiovascular phenotype. Last evaluated: 2024-04-23. Review status: criteria provided, single submitter. Criteria: Ambry Variant Classification Scheme 2023. Collection method: clinical testing. Allele origin: germline.
Comment: The p.D1086V variant (also known as c.3257A>T), located in coding exon 21 of the FLNC gene, results from an A to T substitution at nucleotide position 3257. The aspartic acid at codon 1086 is replaced by valine, an amino acid with highly dissimilar properties. This amino acid position is conserved. In addition, this alteration is predicted to be deleterious by in silico analysis. Based on the available evidence, the clinical significance of this variant remains unclear.

NM_001458.5(FLNC):c.3257A>T (p.Asp1086Val)

Gene: FLNC (filamin C; plus strand). Cytogenetic location: 7q32.1.
Variant type: single nucleotide variant.
Coding change: c.3257A>T on transcript NM_001458.5 (MANE Select); coding-DNA position 3257, A replaced by T.
Protein change: p.Asp1086Val; replaces aspartic acid 1086 with valine.
Molecular consequence: missense variant.
Genome position (GRCh38, 1-based): chr7:128,844,722, A>T. VCF-style: chr7-128844722-A-T. GRCh37 (hg19) VCF-style: chr7-128484776-A-T.
Other names: c.3257A>T, p.Asp1086Val (NM_001127487.2); short protein forms D1086V.
Identifiers: ClinVar variation 3279217 (VCV003279217.3).